The following is an entry in ClinVar:

ClinVar aggregate classification (germline): Pathogenic (1 of 4 stars; one submission).

Conditions:
Ullrich congenital muscular dystrophy 2 (UCMD2). Identifiers: Orphanet 75840, MedGen C4225314, MONDO:0014654, OMIM 616470.
Bethlem myopathy 2 (BTHLM2). Identifiers: Orphanet 536516, Orphanet 610, MedGen C4225313, MONDO:0034022, OMIM 616471.

Allele frequency attached by ClinVar (database versions not stated): gnomAD exomes below 0.00001.
gnomAD v4.1: 1 of 1,612,154 alleles (0.000062%); highest among the groups gnomAD compares: Non-Finnish European, 0.000085%; no homozygotes.

Submission:

Labcorp Genetics (formerly Invitae), Labcorp
Classification: Pathogenic for Bethlem myopathy 2; Ullrich congenital muscular dystrophy 2. Last evaluated: 2025-06-20. Review status: criteria provided, single submitter. Criteria: Invitae Variant Classification Sherloc (09022015). Collection method: clinical testing. Allele origin: germline.
Comment: This sequence change creates a premature translational stop signal (p.Arg1434*) in the COL12A1 gene. It is expected to result in an absent or disrupted protein product. Loss-of-function variants in COL12A1 are known to be pathogenic (PMID: 24334604, 28973083). This variant is not present in population databases (gnomAD no frequency). This variant has not been reported in the literature in individuals affected with COL12A1-related conditions. ClinVar contains an entry for this variant (Variation ID: 659962). For these reasons, this variant has been classified as Pathogenic.

Literature cited by the submitters: PubMed 24334604; PubMed 28973083.

NM_004370.6(COL12A1):c.4300C>T (p.Arg1434Ter)

Gene: COL12A1 (collagen type XII alpha 1 chain; minus strand). Cytogenetic location: 6q13.
Variant type: single nucleotide variant.
Coding change: c.4300C>T on transcript NM_004370.6 (MANE Select); coding-DNA position 4300, C replaced by T.
Protein change: p.Arg1434Ter; replaces arginine 1434 with a stop codon.
Molecular consequence: nonsense.
Genome position (GRCh38, 1-based): chr6:75,147,792, G>A on the plus strand (C>T on the coding strand, the complement: COL12A1 is on the minus strand). VCF-style: chr6-75147792-G-A. GRCh37 (hg19) VCF-style: chr6-75857508-G-A.
Other names: c.808C>T, p.Arg270Ter (NM_080645.3); short protein forms R1434*, R270*.
Identifiers: ClinVar variation 659962 (VCV000659962.7), dbSNP rs1562223444, ClinGen allele CA364744825.